The following is an entry in ClinVar:

ClinVar aggregate classification (germline): Uncertain significance (1 of 4 stars; one submission).

Conditions:
Familial thoracic aortic aneurysm and aortic dissection (TAAD). Also called: Thoracic aortic aneurysms and dissections. Identifiers: Orphanet 91387, MedGen C4707243, MONDO:0019625.

Submission:

Color Diagnostics, LLC DBA Color Health
Classification: Uncertain significance for Familial thoracic aortic aneurysm and aortic dissection. Last evaluated: 2023-03-28. Review status: criteria provided, single submitter. Criteria: ACMG Guidelines, 2015. Collection method: clinical testing. Allele origin: germline.
Comment: This variant is located in the 5' untranslated region of the TGFBR2 gene. To our knowledge, functional studies have not been reported for this variant. This variant has not been reported in individuals affected with TGFBR2-related disorders in the literature. This variant has not been identified in the general population by the Genome Aggregation Database (gnomAD). The available evidence is insufficient to determine the role of this variant in disease conclusively. Therefore, this variant is classified as a Variant of Uncertain Significance.

NM_003242.6(TGFBR2):c.-15G>C

Gene: TGFBR2 (transforming growth factor beta receptor 2; plus strand). Cytogenetic location: 3p24.1.
Variant type: single nucleotide variant.
Coding change: c.-15G>C on transcript NM_003242.6 (MANE Select); 15 bases upstream of the start codon, G replaced by C.
Molecular consequence: 5 prime UTR variant. On other transcripts: intron variant (2).
Genome position (GRCh38, 1-based): chr3:30,606,869, G>C. VCF-style: chr3-30606869-G-C. GRCh37 (hg19) VCF-style: chr3-30648361-G-C.
Other names: c.-15G>C (NM_001024847.3, NM_001407126.1, NM_001407127.1 and 4 more transcripts); c.-298G>C (NM_001407133.1); c.-176G>C (NM_001407134.1); c.-223G>C (NM_001407135.1); c.-308G>C (NM_001407136.1); c.-12+276G>C (NM_001407129.1, NM_001407132.1).
Identifiers: ClinVar variation 2774558 (VCV002774558.2), dbSNP rs2470443284, ClinGen allele CA2697550740.